The following is an entry in ClinVar:

NM_015909.4(NBAS):c.4237A>G (p.Thr1413Ala)

Gene: NBAS (NBAS subunit of NRZ tethering complex; minus strand). Cytogenetic location: 2p24.3.
Variant type: single nucleotide variant.
Coding change: c.4237A>G on transcript NM_015909.4 (MANE Select); coding-DNA position 4237, A replaced by G.
Protein change: p.Thr1413Ala; replaces threonine 1413 with alanine.
Molecular consequence: missense variant. On other transcripts: non-coding transcript variant (1).
Genome position (GRCh38, 1-based): chr2:15,330,708, T>C on the plus strand (A>G on the coding strand, the complement: NBAS is on the minus strand). VCF-style: chr2-15330708-T-C. GRCh37 (hg19) VCF-style: chr2-15470832-T-C.
Other names: c.4237A>G (NM_015909.2); short protein forms T1413A.
Identifiers: ClinVar variation 1413353 (VCV001413353.6), dbSNP rs752200329, ClinGen allele CA1535728.

ClinVar aggregate classification (germline): Uncertain significance. Review status: criteria provided, multiple submitters, no conflicts (2 of 4 stars). 2 submissions from 2 submitters: Uncertain significance (2). Last evaluated 2022-03-07.

Conditions:
Inborn genetic diseases. Identifiers: MedGen C0950123, MeSH D030342.

Allele frequency attached by ClinVar (database versions not stated): ExAC 0.00001; gnomAD 0.00001; gnomAD exomes 0.00001 and 0.00002; TOPMed 0.00001.
gnomAD v4.1: 25 of 1,613,954 alleles (0.0015%); highest among the groups gnomAD compares: Non-Finnish European, 0.002%; no homozygotes.

Submissions (2):

Labcorp Genetics (formerly Invitae), Labcorp
Classification: Uncertain significance. Last evaluated: 2022-03-07. Review status: criteria provided, single submitter. Criteria: Invitae Variant Classification Sherloc (09022015). Collection method: clinical testing. Allele origin: germline.
Comment: This sequence change replaces threonine, which is neutral and polar, with alanine, which is neutral and non-polar, at codon 1413 of the NBAS protein (p.Thr1413Ala). This variant is present in population databases (rs752200329, gnomAD 0.003%). This variant has not been reported in the literature in individuals affected with NBAS-related conditions. Algorithms developed to predict the effect of missense changes on protein structure and function output the following: SIFT: "Deleterious"; PolyPhen-2: "Benign"; Align-GVGD: "Class C55". The alanine amino acid residue is found in multiple mammalian species, which suggests that this missense change does not adversely affect protein function. In summary, the available evidence is currently insufficient to determine the role of this variant in disease. Therefore, it has been classified as a Variant of Uncertain Significance.

Ambry Genetics
Classification: Uncertain significance for Inborn genetic diseases. Last evaluated: 2022-01-10. Review status: criteria provided, single submitter. Criteria: Ambry Variant Classification Scheme 2023. Collection method: clinical testing. Allele origin: germline.